The following is an entry in ClinVar:

NM_000426.4(LAMA2):c.5651G>A (p.Arg1884Lys)

Gene: LAMA2 (laminin subunit alpha 2; plus strand). Cytogenetic location: 6q22.33.
Variant type: single nucleotide variant.
Coding change: c.5651G>A on transcript NM_000426.4 (MANE Select); coding-DNA position 5651, G replaced by A.
Protein change: p.Arg1884Lys; replaces arginine 1884 with lysine.
Molecular consequence: missense variant.
Genome position (GRCh38, 1-based): chr6:129,402,412, G>A. VCF-style: chr6-129402412-G-A. GRCh37 (hg19) VCF-style: chr6-129723557-G-A.
Other names: c.5651G>A, p.Arg1884Lys (NM_001079823.2); short protein forms R1884K.
Identifiers: ClinVar variation 3604579 (VCV003604579.2).

ClinVar aggregate classification (germline): Uncertain significance (1 of 4 stars; one submission).

Conditions:
LAMA2-related muscular dystrophy (LAMA2-RD). Also called: Laminin alpha 2-related dystrophy. Identifiers: MedGen C5679788, MONDO:0100228.

gnomAD v4.1: 1 of 1,614,080 alleles (0.000062%); highest among the groups gnomAD compares: Admixed American, 0.0017%; no homozygotes.

Submission:

Labcorp Genetics (formerly Invitae), Labcorp
Classification: Uncertain significance for LAMA2-related muscular dystrophy. Last evaluated: 2024-10-27. Review status: criteria provided, single submitter. Criteria: Invitae Variant Classification Sherloc (09022015). Collection method: clinical testing. Allele origin: germline.
Comment: This sequence change replaces arginine, which is basic and polar, with lysine, which is basic and polar, at codon 1884 of the LAMA2 protein (p.Arg1884Lys). This variant is present in population databases (no rsID available, gnomAD 0.003%). This variant has not been reported in the literature in individuals affected with LAMA2-related conditions. Invitae Evidence Modeling of protein sequence and biophysical properties (such as structural, functional, and spatial information, amino acid conservation, physicochemical variation, residue mobility, and thermodynamic stability) indicates that this missense variant is not expected to disrupt LAMA2 protein function with a negative predictive value of 95%. In summary, the available evidence is currently insufficient to determine the role of this variant in disease. Therefore, it has been classified as a Variant of Uncertain Significance.